The following is an entry in ClinVar:

ClinVar aggregate classification (germline): Uncertain significance. Review status: criteria provided, multiple submitters, no conflicts (2 of 4 stars). 2 submissions from 2 submitters: Uncertain significance (2). Last evaluated 2025-04-21.

Conditions:
Hereditary cancer-predisposing syndrome. Also called: Neoplastic Syndromes, Hereditary; Hereditary Cancer Syndrome; Hereditary neoplastic syndrome; Tumor predisposition. Identifiers: Orphanet 140162, MedGen C0027672, MeSH D009386, MONDO:0015356.
Gorlin syndrome. Also called: Basal cell nevus syndrome; Nevoid Basal Cell Carcinoma Syndrome. Identifiers: Orphanet 377, MedGen C0004779, MONDO:0007187.

Allele frequency attached by ClinVar (database versions not stated): TOPMed 0.00001.
gnomAD v4.1: 6 of 1,613,422 alleles (0.00037%); highest among the groups gnomAD compares: Non-Finnish European, 0.00051%; no homozygotes.

Submissions (2):

Labcorp Genetics (formerly Invitae), Labcorp
Classification: Uncertain significance for Gorlin syndrome. Last evaluated: 2025-04-21. Review status: criteria provided, single submitter. Criteria: Invitae Variant Classification Sherloc (09022015). Collection method: clinical testing. Allele origin: germline.
Comment: This sequence change replaces valine, which is neutral and non-polar, with leucine, which is neutral and non-polar, at codon 1381 of the PTCH1 protein (p.Val1381Leu). This variant is present in population databases (no rsID available, gnomAD 0.0009%). This variant has not been reported in the literature in individuals affected with PTCH1-related conditions. ClinVar contains an entry for this variant (Variation ID: 645066). Invitae Evidence Modeling of protein sequence and biophysical properties (such as structural, functional, and spatial information, amino acid conservation, physicochemical variation, residue mobility, and thermodynamic stability) has been performed for this missense variant. However, the output from this modeling did not meet the statistical confidence thresholds required to predict the impact of this variant on PTCH1 protein function. In summary, the available evidence is currently insufficient to determine the role of this variant in disease. Therefore, it has been classified as a Variant of Uncertain Significance.

Ambry Genetics
Classification: Uncertain significance for Hereditary cancer-predisposing syndrome. Last evaluated: 2024-10-12. Review status: criteria provided, single submitter. Criteria: Ambry Variant Classification Scheme 2023. Collection method: clinical testing. Allele origin: germline.
Comment: The p.V1381L variant (also known as c.4141G>T), located in coding exon 23 of the PTCH1 gene, results from a G to T substitution at nucleotide position 4141. The valine at codon 1381 is replaced by leucine, an amino acid with highly similar properties. This amino acid position is highly conserved in available vertebrate species. In addition, the in silico prediction for this alteration is inconclusive. Since supporting evidence is limited at this time, the clinical significance of this alteration remains unclear.

NM_000264.5(PTCH1):c.4141G>T (p.Val1381Leu)

Gene: PTCH1 (patched 1; minus strand). Cytogenetic location: 9q22.32.
Variant type: single nucleotide variant.
Coding change: c.4141G>T on transcript NM_000264.5 (MANE Select); coding-DNA position 4141, G replaced by T.
Protein change: p.Val1381Leu; replaces valine 1381 with leucine.
Molecular consequence: missense variant. On other transcripts: non-coding transcript variant (1).
Genome position (GRCh38, 1-based): chr9:95,447,115, C>A on the plus strand (G>T on the coding strand, the complement: PTCH1 is on the minus strand). VCF-style: chr9-95447115-C-A. GRCh37 (hg19) VCF-style: chr9-98209397-C-A.
Other names: c.3943G>T, p.Val1315Leu (NM_001083602.3); c.4138G>T, p.Val1380Leu (NM_001083603.3); c.3688G>T, p.Val1230Leu (NM_001083604.3, NM_001083605.3, NM_001083606.3 and 1 more transcripts); c.3985G>T, p.Val1329Leu (NM_001354918.2); short protein forms V1230L, V1329L, V1381L, V1315L, V1380L.
Identifiers: ClinVar variation 645066 (VCV000645066.11), dbSNP rs187104739, ClinGen allele CA196557792.